The following is an entry in ClinVar:

ClinVar aggregate classification (germline): Benign (1 of 4 stars; one submission).

Submission:

GeneDx
Classification: Benign. Last evaluated: 2018-06-14. Review status: criteria provided, single submitter. Criteria: GeneDx Variant Classification (06012015). Collection method: clinical testing. Allele origin: germline. Affected: yes.
Comment: This variant is considered likely benign or benign based on one or more of the following criteria: it is a conservative change, it occurs at a poorly conserved position in the protein, it is predicted to be benign by multiple in silico algorithms, and/or has population frequency not consistent with disease.

NM_002103.5(GYS1):c.1309-186_1309-182del

Gene: GYS1 (glycogen synthase 1; minus strand). Cytogenetic location: 19q13.33.
Variant type: Microsatellite.
Coding change: c.1309-186_1309-182del on transcript NM_002103.5 (MANE Select); 186 bases into the intron before coding-DNA position 1309 through 182 bases into the intron before coding-DNA position 1309, 5 bases deleted (AGAAA; older notation c.1309-186_1309-182delAGAAA).
Molecular consequence: intron variant.
Genome position (GRCh38, 1-based): chr19:48,974,915-48,974,919, TTTCT deleted on the plus strand (AGAAA on the coding strand, the reverse complement: GYS1 is on the minus strand); deleting any 5 consecutive bases within chr19:48,974,915-48,974,927 gives the same sequence; the c. name uses the placement nearest the transcript's 3' end. VCF-style (leftmost placement, unchanged base first): chr19-48974914-CTTTCT-C. GRCh37 (hg19) VCF-style: chr19-49478171-CTTTCT-C.
Other names: c.1117-186_1117-182del (NM_001161587.2).
Identifiers: ClinVar variation 681677 (VCV000681677.1), dbSNP rs141010358, ClinGen allele CA309387205.